The following is an entry in ClinVar:

ClinVar aggregate classification (germline): Uncertain significance. Review status: criteria provided, multiple submitters, no conflicts (2 of 4 stars). 2 submissions from 2 submitters: Uncertain significance (2). Last evaluated 2025-08-12.

Allele frequency attached by ClinVar (database versions not stated): gnomAD exomes below 0.00001; TOPMed below 0.00001; gnomAD 0.00001.
gnomAD v4.1: 7 of 1,611,860 alleles (0.00043%); highest among the groups gnomAD compares: Non-Finnish European, 0.00059%; no homozygotes.

Submissions (2):

Labcorp Genetics (formerly Invitae), Labcorp
Classification: Uncertain significance. Last evaluated: 2025-08-12. Review status: criteria provided, single submitter. Criteria: Invitae Variant Classification Sherloc (09022015). Collection method: clinical testing. Allele origin: germline.
Comment: This sequence change replaces proline, which is neutral and non-polar, with glutamine, which is neutral and polar, at codon 170 of the THAP11 protein (p.Pro170Gln). This variant is present in population databases (no rsID available, gnomAD 0.0009%). This variant has not been reported in the literature in individuals affected with THAP11-related conditions. ClinVar contains an entry for this variant (Variation ID: 1693662). Invitae Evidence Modeling of protein sequence and biophysical properties (such as structural, functional, and spatial information, amino acid conservation, physicochemical variation, residue mobility, and thermodynamic stability) indicates that this missense variant is not expected to disrupt THAP11 protein function with a negative predictive value of 80%. In summary, the available evidence is currently insufficient to determine the role of this variant in disease. Therefore, it has been classified as a Variant of Uncertain Significance.

Mayo Clinic Laboratories, Mayo Clinic
Classification: Uncertain significance. Last evaluated: 2021-11-02. Review status: criteria provided, single submitter. Criteria: ACMG Guidelines, 2015. Collection method: clinical testing. Allele origin: germline.

NM_020457.3(THAP11):c.509C>A (p.Pro170Gln)

Genes: CENPT (centromere protein T; minus strand), THAP11 (THAP domain containing 11; plus strand). Cytogenetic location: 16q22.1.
Variant type: single nucleotide variant.
Coding change: c.509C>A on transcript NM_020457.3 (MANE Select); coding-DNA position 509, C replaced by A.
Protein change: p.Pro170Gln; replaces proline 170 with glutamine.
Molecular consequence: missense variant. On other transcripts: intron variant (1).
Genome position (GRCh38, 1-based): chr16:67,843,063, C>A. VCF-style: chr16-67843063-C-A. GRCh37 (hg19) VCF-style: chr16-67876966-C-A.
Other names: p.Pro170Gln; c.-492+4338G>T (NM_025082.4); short protein forms P170Q.
Identifiers: ClinVar variation 1693662 (VCV001693662.5), dbSNP rs1340155392, ClinGen allele CA396397449.